The following is an entry in ClinVar:

ClinVar aggregate classification (germline): Pathogenic (1 of 4 stars; one submission).

Conditions:
Dentinogenesis imperfecta type 2 (DGI1). Also called: CAPDEPONT TEETH; OPALESCENT DENTIN; OPALESCENT TEETH WITHOUT OSTEOGENESIS IMPERFECTA; Dentinogenesis imperfecta without osteogenesis imperfecta; Hereditary Opalescent Dentin; Dentinogenesis imperfecta - Shield's type II. Identifiers: Orphanet 166260, MedGen C2973527, MONDO:0007441, OMIM 125490. Disease mechanism: loss of function.

Submission:

Center of Excellence in Precision Medicine and Digital Health (CEPMDH), Faculty of Dentistry, Chulalongkorn University
Classification: Pathogenic for Dentinogenesis imperfecta type 2. Review status: criteria provided, single submitter. Criteria: ACMG Guidelines, 2015. Collection method: clinical testing. Allele origin: germline. Inheritance: Autosomal dominant inheritance. Affected: yes. Clinical features observed: Dentinogenesis imperfecta (HP:0000703).
Comment: The c.3555del frameshift variant in DSPP was found in 1 Thai family with autosomal dominant dentinogenesis imperfecta type II. This variant was segregated with the disease in 3 affected individuals. Song et al. (2008) has reported about 5 unrelated Chinese families with dentinogenesis imperfecta type II identified 5 different heterozygous frameshift mutations in the DSPP gene. In summary, the c.3555del is classified as pathogenic based on ACMG guideline.

NM_014208.3(DSPP):c.3555del (p.Asp1185fs)

Genes: DMP1-AS1 (DMP1 and DSPP antisense RNA 1; minus strand), DSPP (dentin sialophosphoprotein; plus strand). Cytogenetic location: 4q22.1.
Variant type: Deletion.
Coding change: c.3555del on transcript NM_014208.3 (MANE Select); coding-DNA position 3555, one base deleted (C; older notation c.3555delC).
Protein change: p.Asp1185fs; shifts the reading frame from aspartic acid 1185.
Molecular consequence: frameshift variant.
Genome position (GRCh38, 1-based): chr4:87,616,217, C deleted. VCF-style (leftmost placement, unchanged base first): chr4-87616216-AC-A. GRCh37 (hg19) VCF-style: chr4-88537368-AC-A.
Other names: c.3555delC (NM_014208.3); short protein forms D1185fs.
Identifiers: ClinVar variation 2579752 (VCV002579752.2), dbSNP rs2475887343, ClinGen allele CA2580617935.